The following is an entry in ClinVar:

NM_000138.5(FBN1):c.6446A>T (p.Tyr2149Phe)

Gene: FBN1 (fibrillin 1; minus strand). Cytogenetic location: 15q21.1.
Variant type: single nucleotide variant.
Coding change: c.6446A>T on transcript NM_000138.5 (MANE Select); coding-DNA position 6446, A replaced by T.
Protein change: p.Tyr2149Phe; replaces tyrosine 2149 with phenylalanine.
Molecular consequence: missense variant.
Genome position (GRCh38, 1-based): chr15:48,437,011, T>A on the plus strand (A>T on the coding strand, the complement: FBN1 is on the minus strand). VCF-style: chr15-48437011-T-A. GRCh37 (hg19) VCF-style: chr15-48729208-T-A.
Other names: short protein forms Y2149F.
Identifiers: ClinVar variation 629673 (VCV000629673.16), dbSNP rs113080385, ClinGen allele CA392336546.

ClinVar aggregate classification (germline): Conflicting classifications of pathogenicity. Review status: criteria provided, conflicting classifications (1 of 4 stars). 5 submissions from 5 submitters: Uncertain significance (4); Likely benign (1). Last evaluated 2026-05-01.

Conditions:
Familial thoracic aortic aneurysm and aortic dissection (TAAD). Also called: Thoracic aortic aneurysms and dissections. Identifiers: Orphanet 91387, MedGen C4707243, MONDO:0019625.
Marfan syndrome (MFS). Also called: MARFAN SYNDROME, TYPE I; Marfan syndrome type 1; Marfan's syndrome; Marfan syndrome, classic; FBN1-Related Marfan Syndrome. Identifiers: Orphanet 284963, Orphanet 558, MedGen C0024796, MONDO:0007947, OMIM 154700.

Allele frequency attached by ClinVar (database versions not stated): gnomAD exomes below 0.00001.
gnomAD v4.1: 7 of 1,613,340 alleles (0.00043%); highest among the groups gnomAD compares: Middle Eastern, 0.033%; no homozygotes.

Submissions (5):

CeGaT Center for Human Genetics Tuebingen
Classification: Uncertain significance. Last evaluated: 2026-05-01. Review status: criteria provided, single submitter. Criteria: CeGaT Center For Human Genetics Tuebingen Variant Classification Criteria Version 2. Collection method: clinical testing. Allele origin: germline. Affected: yes. Observed: 2 variant alleles.
Comment: FBN1: PM5

Ambry Genetics
Classification: Uncertain significance for Familial thoracic aortic aneurysm and aortic dissection. Last evaluated: 2025-09-02. Review status: criteria provided, single submitter. Criteria: Ambry Variant Classification Scheme 2023. Collection method: clinical testing. Allele origin: germline.
Comment: The p.Y2149F variant (also known as c.6446A>T), located in coding exon 52 of the FBN1 gene, results from an A to T substitution at nucleotide position 6446. The tyrosine at codon 2149 is replaced by phenylalanine, an amino acid with highly similar properties. This variant alters a conserved residue in the calcium-binding consensus sequence of a cbEGF domain and is expected to disrupt FBN1 function (Handford PA et al. Nature. 1991; 351(6322):164-7). This amino acid position is not well conserved in available vertebrate species. In addition, this alteration is predicted to be tolerated by in silico analysis. Based on the available evidence, the clinical significance of this variant remains unclear.

Labcorp Genetics (formerly Invitae), Labcorp
Classification: Likely benign for Marfan syndrome; Familial thoracic aortic aneurysm and aortic dissection. Last evaluated: 2025-03-07. Review status: criteria provided, single submitter. Criteria: Invitae Variant Classification Sherloc (09022015). Collection method: clinical testing. Allele origin: germline.

GeneDx
Classification: Uncertain significance. Last evaluated: 2023-01-20. Review status: criteria provided, single submitter. Criteria: GeneDx Variant Classification Process June 2021. Collection method: clinical testing. Allele origin: germline. Affected: yes.
Comment: Has not been previously published as pathogenic or benign to our knowledge; Not observed at a significant frequency in large population cohorts (gnomAD); Although located in a calcium-binding EGF-like domain of the FBN1 gene, it does not affect a cysteine residue within this domain; cysteine substitutions in the calcium-binding EGF-like domains represent the majority of pathogenic missense changes associated with FBN1-related disorders (Collod-Beroud et al., 2003); In silico analysis supports that this missense variant does not alter protein structure/function

Color Diagnostics, LLC DBA Color Health
Classification: Uncertain significance for Familial thoracic aortic aneurysm and aortic dissection. Last evaluated: 2021-04-13. Review status: criteria provided, single submitter. Criteria: ACMG Guidelines, 2015. Collection method: clinical testing. Allele origin: germline.
Comment: This missense variant replaces tyrosine with phenylalanine at codon 2149 of the FBN1 protein. Computational prediction suggests that this variant may not impact protein structure and function (internally defined REVEL score threshold <= 0.5, PMID: 27666373). To our knowledge, functional studies have not been reported for this variant. This variant has not been reported in individuals affected with cardiovascular disorders in the literature. This variant has been identified in 1/251030 chromosomes in the general population by the Genome Aggregation Database (gnomAD). The available evidence is insufficient to determine the role of this variant in disease conclusively. Therefore, this variant is classified as a Variant of Uncertain Significance.